The following is an entry in ClinVar:

NM_001371272.1(RAB11FIP5):c.261G>C (p.Arg87=)

Gene: RAB11FIP5 (RAB11 family interacting protein 5; minus strand). Cytogenetic location: 2p13.2.
Variant type: single nucleotide variant.
Coding change: c.261G>C on transcript NM_001371272.1 (MANE Select); coding-DNA position 261, G replaced by C.
Protein change: p.Arg87=; no amino-acid change (arginine 87 retained).
Molecular consequence: synonymous variant.
Genome position (GRCh38, 1-based): chr2:73,112,517, C>G on the plus strand (G>C on the coding strand, the complement: RAB11FIP5 is on the minus strand). VCF-style: chr2-73112517-C-G. GRCh37 (hg19) VCF-style: chr2-73339645-C-G.
Other names: c.261G>C, p.Arg87= (NM_015470.3).
Identifiers: ClinVar variation 3039671 (VCV003039671.2), dbSNP rs568628020, ClinGen allele CA427023902.

ClinVar aggregate classification (germline): Likely benign (0 of 4 stars; one submission).

Conditions:
RAB11FIP5-related disorder. Also called: RAB11FIP5-related condition.

Submission:

PreventionGenetics, part of Exact Sciences
Classification: Likely benign for RAB11FIP5-related condition. Last evaluated: 2019-07-31. Review status: no assertion criteria provided. Collection method: clinical testing. Allele origin: germline.
Comment: This variant is classified as likely benign based on ACMG/AMP sequence variant interpretation guidelines (Richards et al. 2015 PMID: 25741868, with internal and published modifications).